The following is an entry in ClinVar:

ClinVar aggregate classification (germline): Uncertain significance. Review status: criteria provided, multiple submitters, no conflicts (2 of 4 stars). 2 submissions from 2 submitters: Uncertain significance (2). Last evaluated 2025-12-08.

Conditions:
Inborn genetic diseases. Identifiers: MedGen C0950123, MeSH D030342.

Submissions (2):

Ambry Genetics
Classification: Uncertain significance for Inborn genetic diseases. Last evaluated: 2025-12-08. Review status: criteria provided, single submitter. Criteria: Ambry Variant Classification Scheme 2023. Collection method: clinical testing. Allele origin: germline.

Mayo Clinic Laboratories, Mayo Clinic
Classification: Uncertain significance. Last evaluated: 2023-09-06. Review status: criteria provided, single submitter. Criteria: ACMG Guidelines, 2015. Collection method: clinical testing. Allele origin: germline. Observed: 1 variant allele.
Comment: BP4

NM_014244.5(ADAMTS2):c.3143C>T (p.Pro1048Leu)

Gene: ADAMTS2 (ADAM metallopeptidase with thrombospondin type 1 motif 2; minus strand). Cytogenetic location: 5q35.3.
Variant type: single nucleotide variant.
Coding change: c.3143C>T on transcript NM_014244.5 (MANE Select); coding-DNA position 3143, C replaced by T.
Protein change: p.Pro1048Leu; replaces proline 1048 with leucine.
Molecular consequence: missense variant.
Genome position (GRCh38, 1-based): chr5:179,121,696, G>A on the plus strand (C>T on the coding strand, the complement: ADAMTS2 is on the minus strand). VCF-style: chr5-179121696-G-A. GRCh37 (hg19) VCF-style: chr5-178548697-G-A.
Other names: p.Pro1048Leu; c.3143C>T (NM_014244.4); short protein forms P1048L.
Identifiers: ClinVar variation 3379624 (VCV003379624.2).